The following is an entry in ClinVar:

NM_001330260.2(SCN8A):c.1910T>C (p.Val637Ala)

Gene: SCN8A (sodium voltage-gated channel alpha subunit 8; plus strand). Cytogenetic location: 12q13.13.
Variant type: single nucleotide variant.
Coding change: c.1910T>C on transcript NM_001330260.2 (MANE Select); coding-DNA position 1910, T replaced by C.
Protein change: p.Val637Ala; replaces valine 637 with alanine.
Molecular consequence: missense variant.
Genome position (GRCh38, 1-based): chr12:51,721,820, T>C. VCF-style: chr12-51721820-T-C. GRCh37 (hg19) VCF-style: chr12-52115604-T-C.
Other names: c.1910T>C, p.Val637Ala (NM_001177984.3, NM_001369788.1, NM_014191.4); short protein forms V637A.
Identifiers: ClinVar variation 3367954 (VCV003367954.1).

ClinVar aggregate classification (germline): Uncertain significance (1 of 4 stars; one submission).

Submission:

GeneDx
Classification: Uncertain significance. Last evaluated: 2024-01-18. Review status: criteria provided, single submitter. Criteria: GeneDx Variant Classification Process June 2021. Collection method: clinical testing. Allele origin: germline. Affected: yes.
Comment: Not observed at significant frequency in large population cohorts (gnomAD); Missense variants in this gene are a common cause of disease and they are underrepresented in the general population; In silico analysis supports that this missense variant does not alter protein structure/function; Has not been previously published as pathogenic or benign to our knowledge; This substitution is predicted to be in the cytoplasmic loop between the first and second homologous domains